The following is an entry in ClinVar:

ClinVar aggregate classification (germline): Uncertain significance (1 of 4 stars; one submission).

Conditions:
Left ventricular noncompaction 8 (LVNC8). Identifiers: Orphanet 154, Orphanet 54260, MedGen C3809288, MONDO:0014152, OMIM 615373.

gnomAD v4.1: 12 of 1,541,226 alleles (0.00078%); highest among the groups gnomAD compares: East Asian, 0.0096%; no homozygotes.

Submission:

Labcorp Genetics (formerly Invitae), Labcorp
Classification: Uncertain significance for Left ventricular noncompaction 8. Last evaluated: 2025-04-11. Review status: criteria provided, single submitter. Criteria: Invitae Variant Classification Sherloc (09022015). Collection method: clinical testing. Allele origin: germline.
Comment: This sequence change replaces glycine, which is neutral and non-polar, with arginine, which is basic and polar, at codon 819 of the PRDM16 protein (p.Gly819Arg). This variant is present in population databases (rs755243204, gnomAD 0.02%). This variant has not been reported in the literature in individuals affected with PRDM16-related conditions. An algorithm developed to predict the effect of missense changes on protein structure and function (PolyPhen-2) suggests that this variant is likely to be tolerated. In summary, the available evidence is currently insufficient to determine the role of this variant in disease. Therefore, it has been classified as a Variant of Uncertain Significance.

NM_022114.4(PRDM16):c.2455G>A (p.Gly819Arg)

Gene: PRDM16 (PR/SET domain 16; plus strand). Cytogenetic location: 1p36.32.
Variant type: single nucleotide variant.
Coding change: c.2455G>A on transcript NM_022114.4 (MANE Select); coding-DNA position 2455, G replaced by A.
Protein change: p.Gly819Arg; replaces glycine 819 with arginine.
Molecular consequence: missense variant.
Genome position (GRCh38, 1-based): chr1:3,412,652, G>A. VCF-style: chr1-3412652-G-A. GRCh37 (hg19) VCF-style: chr1-3329216-G-A.
Other names: c.2455G>A, p.Gly819Arg (NM_199454.3); short protein forms G819R.
Identifiers: ClinVar variation 4698046 (VCV004698046.1).